The following is an entry in ClinVar:

ClinVar aggregate classification (germline): Uncertain significance (1 of 4 stars; one submission).

Conditions:
Inborn genetic diseases. Identifiers: MedGen C0950123, MeSH D030342.

gnomAD v4.1: 2 of 1,613,728 alleles (0.00012%); highest among the groups gnomAD compares: Non-Finnish European, 0.000085%; no homozygotes.

Submission:

Ambry Genetics
Classification: Uncertain significance for Inborn genetic diseases. Last evaluated: 2025-11-08. Review status: criteria provided, single submitter. Criteria: Ambry Variant Classification Scheme 2023. Collection method: clinical testing. Allele origin: germline.
Comment: The p.F486L variant (also known as c.1458C>A), located in coding exon 9 of the ERCC6L2 gene, results from a C to A substitution at nucleotide position 1458. The phenylalanine at codon 486 is replaced by leucine, an amino acid with highly similar properties. This amino acid position is conserved. In addition, the in silico prediction for this alteration is inconclusive. Based on the available evidence, the clinical significance of this variant remains unclear.

NM_020207.7(ERCC6L2):c.1458C>A (p.Phe486Leu)

Gene: ERCC6L2 (ERCC excision repair 6 like 2; plus strand). Cytogenetic location: 9q22.32.
Variant type: single nucleotide variant.
Coding change: c.1458C>A on transcript NM_020207.7 (MANE Select); coding-DNA position 1458, C replaced by A.
Protein change: p.Phe486Leu; replaces phenylalanine 486 with leucine.
Molecular consequence: missense variant. On other transcripts: non-coding transcript variant (1).
Genome position (GRCh38, 1-based): chr9:95,923,304, C>A. VCF-style: chr9-95923304-C-A. GRCh37 (hg19) VCF-style: chr9-98685586-C-A.
Other names: c.1458C>A, p.Phe486Leu (NM_001010895.4, NM_001375291.1, NM_001375292.1 and 2 more transcripts); short protein forms F486L.
Identifiers: ClinVar variation 4618756 (VCV004618756.1).
Genomic context (GRCh38, chr9:95,923,304, plus strand): 5'-GCCTTTTCCCTTCAAGGAAACACTTATCAAAAGGATATGTGATCAGGTATTTTCCAGATT[C>A]CCAGATTTTGTGCAGAAAAGCAAAGATGCAGCCTTTGAAACACTTTCTGACCCTAAATAC-3'
Protein context (NP_064592.3, residues 476-496): KRICDQVFSR[Phe486Leu]PDFVQKSKDA